The following is an entry in ClinVar:

ClinVar aggregate classification (germline): Pathogenic (1 of 4 stars; one submission).

Conditions:
Hereditary factor VIII deficiency disease (HEMA). Also called: HEMOPHILIA, CLASSIC; Hemophilia A, congenital; HEM A; Factor 8 deficiency, congenital; AUTOSOMAL HEMOPHILIA A; Hemophilia A. Identifiers: Orphanet 98878, MedGen C0019069, MONDO:0010602, OMIM 306700.

Submission:

Human Genetic Diversity Lab, University of the Republic of Uruguay
Classification: Pathogenic for Hereditary factor VIII deficiency disease. Last evaluated: 2026-02-02. Review status: criteria provided, single submitter. Criteria: ACMG Guidelines, 2015. Collection method: research. Allele origin: germline. Inheritance: X-linked inheritance. Affected: yes. Observed: 1 variant allele, 1 hemizygote.
Comment: The Hist2156Glifs*4 variant in F8 has not been reported in public hemophilia databases (EAHAD and CHAMP variation list) and is absent from large population databases; it was neither found in ExAC nor in 1000G. The variant is a frameshift that introduces a stop codon in exon 23 of the coagulation factor VIII gene; In summary, the variant meets our criteria for classification as pathogenic based on segregation studies, absence from controls, and functional effects.

Literature cited by the submitters: DOI 10.1111/hae.14981; DOI 10.1038/s41586-020-2308-7.

NM_000132.4(F8):c.6468_6469del (p.His2156fs)

Gene: F8 (coagulation factor VIII; minus strand). Cytogenetic location: Xq28.
Variant type: Microsatellite.
Coding change: c.6468_6469del on transcript NM_000132.4 (MANE Select); coding-DNA positions 6468 to 6469, 2 bases deleted (CA; older notation c.6468_6469delCA).
Protein change: p.His2156fs; shifts the reading frame from histidine 2156.
Molecular consequence: frameshift variant.
Genome position (GRCh38, 1-based): chrX:154,863,188-154,863,189, TG deleted on the plus strand (CA on the coding strand, the reverse complement: F8 is on the minus strand); deleting any 2 consecutive bases within chrX:154,863,188-154,863,192 gives the same sequence; the c. name uses the placement nearest the transcript's 3' end. VCF-style (leftmost placement, unchanged base first): chrX-154863187-TTG-T. GRCh37 (hg19) VCF-style: chrX-154091462-TTG-T.
Other names: c.6465_6466delAC (NM_000132.4); c.63_64del, p.His21fs (NM_019863.3); short protein forms H2156fs, H21fs.
Identifiers: ClinVar variation 4755411 (VCV004755411.1).